The following is an entry in ClinVar:

ClinVar aggregate classification (germline): Uncertain significance. Review status: criteria provided, multiple submitters, no conflicts (2 of 4 stars). 2 submissions from 2 submitters: Uncertain significance (2). Last evaluated 2024-04-16.

Conditions:
Distal myopathy with posterior leg and anterior hand involvement. Also called: WILLIAMS DISTAL MYOPATHY. Identifiers: Orphanet 63273, MedGen C3279722, MONDO:0013550, OMIM 614065.
Hypertrophic cardiomyopathy 26. Also called: Cardiomyopathy, familial hypertrophic, 26. Identifiers: Orphanet 75249, MedGen C4310749, MONDO:0014883, OMIM 617047.
Myofibrillar myopathy 5. Also called: Filaminopathy (type); FILAMINOPATHY, AUTOSOMAL DOMINANT. Identifiers: Orphanet 171445, MedGen C1836050, MONDO:0012289, OMIM 609524.
Cardiovascular phenotype. Identifiers: MedGen CN230736.

Submissions (2):

Labcorp Genetics (formerly Invitae), Labcorp
Classification: Uncertain significance for Distal myopathy with posterior leg and anterior hand involvement; Myofibrillar myopathy 5; Hypertrophic cardiomyopathy 26. Last evaluated: 2024-04-16. Review status: criteria provided, single submitter. Criteria: Invitae Variant Classification Sherloc (09022015). Collection method: clinical testing. Allele origin: germline.
Comment: This sequence change replaces histidine, which is basic and polar, with glutamine, which is neutral and polar, at codon 2013 of the FLNC protein (p.His2013Gln). This variant is not present in population databases (gnomAD no frequency). This variant has not been reported in the literature in individuals affected with FLNC-related conditions. ClinVar contains an entry for this variant (Variation ID: 1751206). Advanced modeling of protein sequence and biophysical properties (such as structural, functional, and spatial information, amino acid conservation, physicochemical variation, residue mobility, and thermodynamic stability) has been performed at Invitae for this missense variant, however the output from this modeling did not meet the statistical confidence thresholds required to predict the impact of this variant on FLNC protein function. In summary, the available evidence is currently insufficient to determine the role of this variant in disease. Therefore, it has been classified as a Variant of Uncertain Significance.

Ambry Genetics
Classification: Uncertain significance for Cardiovascular phenotype. Last evaluated: 2020-09-16. Review status: criteria provided, single submitter. Criteria: Ambry Variant Classification Scheme 2023. Collection method: clinical testing. Allele origin: germline.
Comment: The p.H2013Q variant (also known as c.6039C>A), located in coding exon 37 of the FLNC gene, results from a C to A substitution at nucleotide position 6039. The histidine at codon 2013 is replaced by glutamine, an amino acid with highly similar properties. This amino acid position is highly conserved in available vertebrate species. In addition, the in silico prediction for this alteration is inconclusive. Since supporting evidence is limited at this time, the clinical significance of this alteration remains unclear.

NM_001458.5(FLNC):c.6039C>A (p.His2013Gln)

Genes: FLNC-AS1 (FLNC antisense RNA 1; minus strand), FLNC (filamin C; plus strand). Cytogenetic location: 7q32.1.
Variant type: single nucleotide variant.
Coding change: c.6039C>A on transcript NM_001458.5 (MANE Select); coding-DNA position 6039, C replaced by A.
Protein change: p.His2013Gln; replaces histidine 2013 with glutamine.
Molecular consequence: missense variant.
Genome position (GRCh38, 1-based): chr7:128,852,862, C>A. VCF-style: chr7-128852862-C-A. GRCh37 (hg19) VCF-style: chr7-128492916-C-A.
Other names: c.5940C>A, p.His1980Gln (NM_001127487.2); short protein forms H2013Q, H1980Q.
Identifiers: ClinVar variation 1751206 (VCV001751206.5), dbSNP rs776613969, ClinGen allele CA369211017.
Genomic context (GRCh38, chr7:128,852,862, plus strand): 5'-CTCTGCCTAACACCCACTTTCCACAGGGATCTCCTTCACCCCCAAGGAGGTCGGGGAGCA[C>A]GTGGTGAGCGTGCGCAAGAGTGGCAAGCATGTCACCAACAGCCCCTTCAAGATCCTGGTG-3'
Protein context (NP_001449.3, residues 2003-2023): ISFTPKEVGE[His2013Gln]VVSVRKSGKH